The following is an entry in ClinVar:

NM_006421.5(ARFGEF1):c.3089T>C (p.Ile1030Thr)

Gene: ARFGEF1 (ARF guanine nucleotide exchange factor 1; minus strand). Cytogenetic location: 8q13.2.
Variant type: single nucleotide variant.
Coding change: c.3089T>C on transcript NM_006421.5 (MANE Select); coding-DNA position 3089, T replaced by C.
Protein change: p.Ile1030Thr; replaces isoleucine 1030 with threonine.
Molecular consequence: missense variant. On other transcripts: non-coding transcript variant (1).
Genome position (GRCh38, 1-based): chr8:67,238,784, A>G on the plus strand (T>C on the coding strand, the complement: ARFGEF1 is on the minus strand). VCF-style: chr8-67238784-A-G. GRCh37 (hg19) VCF-style: chr8-68151019-A-G.
Other names: c.3089T>C, p.Ile1030Thr (NM_001413184.1, NM_001413185.1, NM_001413186.1 and 6 more transcripts); c.2489T>C, p.Ile830Thr (NM_001413188.1, NM_001413193.1, NM_001413197.1); c.3083T>C, p.Ile1028Thr (NM_001413190.1); c.1664T>C, p.Ile555Thr (NM_001413196.1); short protein forms I1028T, I1030T, I555T, I830T.
Identifiers: ClinVar variation 4823332 (VCV004823332.4).
Genomic context (GRCh38, chr8:67,238,784, plus strand): 5'-AGTGCTTATACCTCATGCCATGAATTTCCTAAATAATTTCCATCTGTATGAGCCACTGTG[A>G]TAAGTGTTTTTATTGTGTCAATGTTCTTCTGTTTCATTTCAGTAATACCGGAACTCACTG-3'
Protein context (NP_006412.2, residues 1020-1040): QKNIDTIKTL[Ile1030Thr]TVAHTDGNYL

ClinVar aggregate classification (germline): Uncertain significance (1 of 4 stars; one submission).

gnomAD v4.1: 1 of 1,613,866 alleles (0.000062%); highest among the groups gnomAD compares: Non-Finnish European, 0.000085%; no homozygotes.

Submission:

CeGaT Center for Human Genetics Tuebingen
Classification: Uncertain significance. Last evaluated: 2026-02-01. Review status: criteria provided, single submitter. Criteria: CeGaT Center For Human Genetics Tuebingen Variant Classification Criteria Version 2. Collection method: clinical testing. Allele origin: germline. Affected: yes. Observed: 1 variant allele.
Comment: ARFGEF1: PM2, PP2